The following is an entry in ClinVar:

NM_012186.3(FOXE3):c.296G>A (p.Arg99His)

Genes: LINC01389 (long independently transcribed non-coding RNA 1389; minus strand), FOXE3 (forkhead box E3; plus strand). Cytogenetic location: 1p33.
Variant type: single nucleotide variant.
Coding change: c.296G>A on transcript NM_012186.3 (MANE Select); coding-DNA position 296, G replaced by A.
Protein change: p.Arg99His; replaces arginine 99 with histidine.
Molecular consequence: missense variant.
Genome position (GRCh38, 1-based): chr1:47,416,611, G>A. VCF-style: chr1-47416611-G-A. GRCh37 (hg19) VCF-style: chr1-47882283-G-A.
Other names: short protein forms R99H.
Identifiers: ClinVar variation 2933041 (VCV002933041.3), dbSNP rs2124042348, ClinGen allele CA340249442.
Genomic context (GRCh38, chr1:47,416,611, plus strand): 5'-TCATCGCCATGGCTCTGGCGCACGCCCCGGGCCGCCGCCTCACGCTGGCCGCCATCTACC[G>A]CTTCATCACCGAACGCTTTGCCTTCTACCGCGACAGCCCGCGCAAGTGGCAGAACAGCAT-3'
Protein context (NP_036318.1, residues 89-109): GRRLTLAAIY[Arg99His]FITERFAFYR

ClinVar aggregate classification (germline): Uncertain significance (1 of 4 stars; one submission).

Conditions:
Anterior segment dysgenesis. Also called: Ocular anterior segment dysgenesis. Identifiers: Orphanet 88632, MedGen C1862839, MONDO:0019503, HP:0007700.
Congenital primary aphakia. Also called: Anterior segment dysgenesis 2, multiple subtypes; ANTERIOR SEGMENT DYSGENESIS 2. Identifiers: Orphanet 83461, MedGen C1853230, MONDO:0012456, OMIM 610256.

Allele frequency attached by ClinVar (database versions not stated): gnomAD 0.00001.

Submission:

Labcorp Genetics (formerly Invitae), Labcorp
Classification: Uncertain significance for Anterior segment dysgenesis; Congenital primary aphakia. Last evaluated: 2022-11-19. Review status: criteria provided, single submitter. Criteria: Invitae Variant Classification Sherloc (09022015). Collection method: clinical testing. Allele origin: germline.
Comment: Advanced modeling of protein sequence and biophysical properties (such as structural, functional, and spatial information, amino acid conservation, physicochemical variation, residue mobility, and thermodynamic stability) has been performed at Invitae for this missense variant, however the output from this modeling did not meet the statistical confidence thresholds required to predict the impact of this variant on FOXE3 protein function. In summary, the available evidence is currently insufficient to determine the role of this variant in disease. Therefore, it has been classified as a Variant of Uncertain Significance. This variant has not been reported in the literature in individuals affected with FOXE3-related conditions. This variant is not present in population databases (gnomAD no frequency). This sequence change replaces arginine, which is basic and polar, with histidine, which is basic and polar, at codon 99 of the FOXE3 protein (p.Arg99His).